The following is an entry in ClinVar:

NM_000548.5(TSC2):c.4836_4839dup (p.Ile1614Ter)

Gene: TSC2 (TSC complex subunit 2; plus strand). Cytogenetic location: 16p13.3.
Variant type: Duplication.
Coding change: c.4836_4839dup on transcript NM_000548.5 (MANE Select); coding-DNA positions 4836 to 4839, 4 bases duplicated (TGAC; older notation c.4836_4839dupTGAC).
Protein change: p.Ile1614Ter; replaces isoleucine 1614 with a stop codon.
Molecular consequence: nonsense. On other transcripts: frameshift variant (32).
Genome position (GRCh38, 1-based): chr16:2,086,366-2,086,369, TGAC duplicated. VCF-style (leftmost placement, unchanged base first): chr16-2086365-A-ATGAC. GRCh37 (hg19) VCF-style: chr16-2136366-A-ATGAC.
Other names: c.4635_4638dup, p.Ile1547Ter (NM_001077183.3); c.4767_4770dup, p.Ile1591Ter (NM_001114382.3); c.4527_4530dup, p.Ile1511Ter (NM_001318827.2); c.4491_4494dup, p.Ile1499Ter (NM_001318829.2); c.4104_4107dup, p.Ile1370Ter (NM_001318831.2); c.4668_4671dup, p.Ile1558Ter (NM_001318832.2); c.4638_4641dup, p.Ile1548Ter (NM_001363528.2); c.4704_4707dup, p.Ile1570Ter (NM_001370404.1); and 26 more; short protein forms I1547*, I1570*, I1571*, I1591*, I1370*, I1499*, I1511*, I1558*.
Identifiers: ClinVar variation 2028251 (VCV002028251.4), dbSNP rs2544381683, ClinGen allele CA2580091068.

ClinVar aggregate classification (germline): Pathogenic (1 of 4 stars; one submission).

Conditions:
Tuberous sclerosis 2 (TSC2). Identifiers: Orphanet 805, MedGen C1860707, MONDO:0013199, OMIM 613254.

Submission:

Labcorp Genetics (formerly Invitae), Labcorp
Classification: Pathogenic for Tuberous sclerosis 2. Last evaluated: 2022-08-31. Review status: criteria provided, single submitter. Criteria: Invitae Variant Classification Sherloc (09022015). Collection method: clinical testing. Allele origin: germline.
Comment: For these reasons, this variant has been classified as Pathogenic. This variant has not been reported in the literature in individuals affected with TSC2-related conditions. This variant is not present in population databases (gnomAD no frequency). This sequence change creates a premature translational stop signal (p.Ile1614*) in the TSC2 gene. It is expected to result in an absent or disrupted protein product. Loss-of-function variants in TSC2 are known to be pathogenic (PMID: 10205261, 17304050).

Literature cited by the submitters: PubMed 10205261; PubMed 17304050.